The following is an entry in ClinVar:

NM_133642.5(LARGE1):c.1978T>C (p.Tyr660His)

Gene: LARGE1 (LARGE xylosyl- and glucuronyltransferase 1; minus strand). Cytogenetic location: 22q12.3.
Variant type: single nucleotide variant.
Coding change: c.1978T>C on transcript NM_133642.5 (MANE Select); coding-DNA position 1978, T replaced by C.
Protein change: p.Tyr660His; replaces tyrosine 660 with histidine.
Molecular consequence: missense variant.
Genome position (GRCh38, 1-based): chr22:33,277,155, A>G on the plus strand (T>C on the coding strand, the complement: LARGE1 is on the minus strand). VCF-style: chr22-33277155-A-G. GRCh37 (hg19) VCF-style: chr22-33673141-A-G.
Other names: c.1978T>C, p.Tyr660His (NM_001362949.2, NM_001362951.2, NM_001362953.2 and 4 more transcripts); c.1831T>C, p.Tyr611His (NM_001378627.1, NM_001378628.1); c.1822T>C, p.Tyr608His (NM_001378629.1); c.1375T>C, p.Tyr459His (NM_001378630.1); c.1072T>C, p.Tyr358His (NM_001378631.1); short protein forms Y608H, Y660H, Y358H, Y459H, Y611H.
Identifiers: ClinVar variation 2195051 (VCV002195051.2), dbSNP rs2546553723, ClinGen allele CA411542860.

ClinVar aggregate classification (germline): Uncertain significance (1 of 4 stars; one submission).

Conditions:
Muscular dystrophy-dystroglycanopathy type B6 (MDDGB6). Also called: MUSCULAR DYSTROPHY-DYSTROGLYCANOPATHY (CONGENITAL WITH IMPAIRED INTELLECTUAL DEVELOPMENT), TYPE B, 6; MUSCULAR DYSTROPHY, CONGENITAL, LARGE-RELATED; MUSCULAR DYSTROPHY, CONGENITAL, TYPE 1D. Identifiers: MedGen C1837229, MONDO:0012138, OMIM 608840.

Submission:

Labcorp Genetics (formerly Invitae), Labcorp
Classification: Uncertain significance for Muscular dystrophy-dystroglycanopathy type B6. Last evaluated: 2022-07-05. Review status: criteria provided, single submitter. Criteria: Invitae Variant Classification Sherloc (09022015). Collection method: clinical testing. Allele origin: germline.
Comment: In summary, the available evidence is currently insufficient to determine the role of this variant in disease. Therefore, it has been classified as a Variant of Uncertain Significance. Algorithms developed to predict the effect of missense changes on protein structure and function (SIFT, PolyPhen-2, Align-GVGD) all suggest that this variant is likely to be disruptive. This variant has not been reported in the literature in individuals affected with LARGE1-related conditions. This variant is not present in population databases (gnomAD no frequency). This sequence change replaces tyrosine, which is neutral and polar, with histidine, which is basic and polar, at codon 660 of the LARGE1 protein (p.Tyr660His).